The following is an entry in ClinVar:

ClinVar aggregate classification (germline): Uncertain significance (0 of 4 stars; one submission).

Conditions:
ABCC2-related disorder. Also called: ABCC2-related condition.

gnomAD v4.1: 12 of 1,614,070 alleles (0.00074%); highest among the groups gnomAD compares: Non-Finnish European, 0.00093%; no homozygotes.

Submission:

PreventionGenetics, part of Exact Sciences
Classification: Uncertain significance for ABCC2-related condition. Last evaluated: 2024-06-28. Review status: no assertion criteria provided. Collection method: clinical testing. Allele origin: germline.
Comment: The ABCC2 c.3338T>G variant is predicted to result in the amino acid substitution p.Leu1113Arg. To our knowledge, this variant has not been reported in the literature. This variant is reported in 0.0018% of alleles in individuals of European (Non-Finnish) descent in gnomAD. At this time, the clinical significance of this variant is uncertain due to the absence of conclusive functional and genetic evidence.

NM_000392.5(ABCC2):c.3338T>G (p.Leu1113Arg)

Genes: ABCC2 (ATP binding cassette subfamily C member 2; plus strand), LOC126861013 (CDK7 strongly-dependent group 2 enhancer GRCh37_chr10:101593724-101594923; plus strand). Cytogenetic location: 10q24.2.
Variant type: single nucleotide variant.
Coding change: c.3338T>G on transcript NM_000392.5 (MANE Select); coding-DNA position 3338, T replaced by G.
Protein change: p.Leu1113Arg; replaces leucine 1113 with arginine.
Molecular consequence: missense variant.
Genome position (GRCh38, 1-based): chr10:99,834,459, T>G. VCF-style: chr10-99834459-T-G. GRCh37 (hg19) VCF-style: chr10-101594216-T-G.
Other names: short protein forms L1113R.
Identifiers: ClinVar variation 3354760 (VCV003354760.1).